The following is an entry in ClinVar:

NM_000553.6(WRN):c.77G>A (p.Cys26Tyr)

Gene: WRN (WRN RecQ like helicase; plus strand). Cytogenetic location: 8p12.
Variant type: single nucleotide variant.
Coding change: c.77G>A on transcript NM_000553.6 (MANE Select); coding-DNA position 77, G replaced by A.
Protein change: p.Cys26Tyr; replaces cysteine 26 with tyrosine.
Molecular consequence: missense variant.
Genome position (GRCh38, 1-based): chr8:31,058,524, G>A. VCF-style: chr8-31058524-G-A. GRCh37 (hg19) VCF-style: chr8-30916040-G-A.
Other names: short protein forms C26Y.
Identifiers: ClinVar variation 528155 (VCV000528155.4), dbSNP rs550926459, ClinGen allele CA4703964.
Genomic context (GRCh38, chr8:31,058,524, plus strand): 5'-TGGAAACAACTGCACAGCAGCGGAAATGTCCTGAATGGATGAATGTGCAGAATAAAAGAT[G>A]TGCTGTAGAAGAAAGAAAGGTATGTTGTTCATTGACTATTCTTTTGGGTGAGAAATTTAA-3'
Protein context (NP_000544.2, residues 16-36): PEWMNVQNKR[Cys26Tyr]AVEERKACVR

ClinVar aggregate classification (germline): Uncertain significance (1 of 4 stars; one submission).

Conditions:
Werner syndrome (WRN). Identifiers: Orphanet 902, MedGen C0043119, MONDO:0010196, OMIM 277700.

Allele frequency attached by ClinVar (database versions not stated): gnomAD 0.00001; TOPMed 0.00001; gnomAD exomes 0.00006 and 0.00010; 1000 Genomes Project 30x 0.00016; 1000 Genomes Project 0.00020; ExAC 0.00022.
gnomAD v4.1: 86 of 1,613,772 alleles (0.0053%); highest among the groups gnomAD compares: South Asian, 0.088%; 1 homozygote.

Submission:

Labcorp Genetics (formerly Invitae), Labcorp
Classification: Uncertain significance for Werner syndrome. Last evaluated: 2022-02-02. Review status: criteria provided, single submitter. Criteria: Invitae Variant Classification Sherloc (09022015). Collection method: clinical testing. Allele origin: germline.
Comment: This sequence change replaces cysteine, which is neutral and slightly polar, with tyrosine, which is neutral and polar, at codon 26 of the WRN protein (p.Cys26Tyr). This variant is present in population databases (rs550926459, gnomAD 0.08%). This variant has not been reported in the literature in individuals affected with WRN-related conditions. ClinVar contains an entry for this variant (Variation ID: 528155). Algorithms developed to predict the effect of missense changes on protein structure and function output the following: SIFT: "Not Available"; PolyPhen-2: "Benign"; Align-GVGD: "Not Available". The tyrosine amino acid residue is found in multiple mammalian species, which suggests that this missense change does not adversely affect protein function. In summary, the available evidence is currently insufficient to determine the role of this variant in disease. Therefore, it has been classified as a Variant of Uncertain Significance.